The following is an entry in ClinVar:

NM_004415.4(DSP):c.1099T>C (p.Cys367Arg)

Gene: DSP (desmoplakin; plus strand). Cytogenetic location: 6p24.3.
Variant type: single nucleotide variant.
Coding change: c.1099T>C on transcript NM_004415.4 (MANE Select); coding-DNA position 1099, T replaced by C.
Protein change: p.Cys367Arg; replaces cysteine 367 with arginine.
Molecular consequence: missense variant.
Genome position (GRCh38, 1-based): chr6:7,567,408, T>C. VCF-style: chr6-7567408-T-C. GRCh37 (hg19) VCF-style: chr6-7567641-T-C.
Other names: c.1099T>C, p.Cys367Arg (NM_001008844.3, NM_001319034.2, NM_001406591.1); short protein forms C367R.
Identifiers: ClinVar variation 4082937 (VCV004082937.1).
Genomic context (GRCh38, chr6:7,567,408, plus strand): 5'-TTTCAGGCCTATATGGACACTCTGCAGACGCAGTGGAGTTGGATTCTTCAGATCACCAAG[T>C]GCATTGATGTTCATCTGAAAGAAAATGCTGCCTACTTTCAGGTTTTTATATTTAGTGATA-3'
Protein context (NP_004406.2, residues 357-377): QWSWILQITK[Cys367Arg]IDVHLKENAA

ClinVar aggregate classification (germline): Uncertain significance (1 of 4 stars; one submission).

Submission:

GeneDx
Classification: Uncertain significance. Last evaluated: 2025-03-05. Review status: criteria provided, single submitter. Criteria: GeneDx Variant Classification Process June 2021. Collection method: clinical testing. Allele origin: germline. Affected: yes.
Comment: Not observed at significant frequency in large population cohorts (gnomAD); In silico analysis supports that this missense variant has a deleterious effect on protein structure/function; Has not been previously published as pathogenic or benign to our knowledge